The following is an entry in ClinVar:

ClinVar aggregate classification (germline): Uncertain significance (1 of 4 stars; one submission).

Allele frequency attached by ClinVar (database versions not stated): gnomAD exomes below 0.00001.
gnomAD v4.1: 1 of 1,573,308 alleles (0.000064%); highest among the groups gnomAD compares: Admixed American, 0.0018%; no homozygotes.

Submission:

GeneDx
Classification: Uncertain significance. Last evaluated: 2022-04-29. Review status: criteria provided, single submitter. Criteria: GeneDx Variant Classification Process June 2021. Collection method: clinical testing. Allele origin: germline. Affected: yes.
Comment: Not observed at significant frequency in large population cohorts (gnomAD); In silico analysis supports that this missense variant has a deleterious effect on protein structure/function; Has not been previously published as pathogenic or benign to our knowledge

NM_001080453.3(INTS1):c.5195T>A (p.Leu1732His)

Gene: INTS1 (integrator complex subunit 1; minus strand). Cytogenetic location: 7p22.3.
Variant type: single nucleotide variant.
Coding change: c.5195T>A on transcript NM_001080453.3 (MANE Select); coding-DNA position 5195, T replaced by A.
Protein change: p.Leu1732His; replaces leucine 1732 with histidine.
Molecular consequence: missense variant.
Genome position (GRCh38, 1-based): chr7:1,476,412, A>T on the plus strand (T>A on the coding strand, the complement: INTS1 is on the minus strand). VCF-style: chr7-1476412-A-T. GRCh37 (hg19) VCF-style: chr7-1516048-A-T.
Other names: c.1712T>A, p.Leu571His (NM_015674.1); short protein forms L1732H, L571H.
Identifiers: ClinVar variation 1712576 (VCV001712576.2), dbSNP rs2483307529, ClinGen allele CA366583251.